The following is an entry in ClinVar:

ClinVar aggregate classification (germline): Benign/Likely benign. Review status: criteria provided, multiple submitters, no conflicts (2 of 4 stars). 3 submissions from 3 submitters: Benign (1); Likely benign (2). Last evaluated 2026-05-15.

Conditions:
Neurofibromatosis, type 1 (NF1). Also called: NEUROFIBROMATOSIS, TYPE I, SOMATIC; Peripheral type neurofibromatosis; VON RECKLINGHAUSEN DISEASE; Neurofibromatosis, type I. Identifiers: Orphanet 636, MedGen C0027831, MONDO:0018975, OMIM 162200. Disease mechanism: loss of function.
Cardiovascular phenotype. Identifiers: MedGen CN230736.
Hereditary cancer-predisposing syndrome. Also called: Tumor predisposition; Hereditary Cancer Syndrome; Hereditary neoplastic syndrome; Neoplastic Syndromes, Hereditary. Identifiers: Orphanet 140162, MedGen C0027672, MeSH D009386, MONDO:0015356.

Allele frequency attached by ClinVar (database versions not stated): gnomAD exomes below 0.00001; ExAC 0.00001.
gnomAD v4.1: 1 of 1,613,184 alleles (0.000062%); highest among the groups gnomAD compares: Non-Finnish European, 0.000085%; no homozygotes.

Submissions (3):

Myriad Genetics, Inc.
Classification: Benign for Neurofibromatosis, type 1. Last evaluated: 2026-05-15. Review status: criteria provided, single submitter. Criteria: Myriad Autosomal Dominant, Autosomal Recessive and X-Linked Classification Criteria (2023). Collection method: clinical testing. Allele origin: unknown.
Comment: This variant is considered benign. This variant is a silent/synonymous amino acid change and it is not expected to impact splicing.

Labcorp Genetics (formerly Invitae), Labcorp
Classification: Likely benign for Neurofibromatosis, type 1. Last evaluated: 2025-06-09. Review status: criteria provided, single submitter. Criteria: Invitae Variant Classification Sherloc (09022015). Collection method: clinical testing. Allele origin: germline.

Ambry Genetics
Classification: Likely benign for Cardiovascular phenotype; Hereditary cancer-predisposing syndrome. Last evaluated: 2019-11-04. Review status: criteria provided, single submitter. Criteria: Ambry Variant Classification Scheme 2023. Collection method: clinical testing. Allele origin: germline.

NM_001042492.3(NF1):c.2007T>C (p.Ser669=)

Gene: NF1 (neurofibromin 1; plus strand). Cytogenetic location: 17q11.2.
Variant type: single nucleotide variant.
Coding change: c.2007T>C on transcript NM_001042492.3 (MANE Select); coding-DNA position 2007, T replaced by C.
Protein change: p.Ser669=; no amino-acid change (serine 669 retained).
Molecular consequence: synonymous variant.
Genome position (GRCh38, 1-based): chr17:31,226,440, T>C. VCF-style: chr17-31226440-T-C. GRCh37 (hg19) VCF-style: chr17-29553458-T-C.
Other names: c.2007T>C, p.Ser669= (NM_000267.4).
Identifiers: ClinVar variation 751091 (VCV000751091.13), dbSNP rs750622783, ClinGen allele CA8485907.